The following continues an entry in ClinVar:

NM_000402.4(G6PD):c.632A>T (p.Asp211Val)

Gene: G6PD. ClinVar aggregate classification (germline): Conflicting classifications of pathogenicity. Pathogenic (11); Likely pathogenic (2); Uncertain significance (1).

Submissions 7 to 15 of 15:

Women's Health and Genetics/Laboratory Corporation of America, LabCorp
Classification: Pathogenic for G6PD deficiency. Last evaluated: 2024-04-19. Review status: criteria provided, single submitter. Criteria: LabCorp Variant Classification Summary - May 2015. Collection method: clinical testing. Allele origin: germline.
Comment: Variant summary: G6PD c.632A>T (p.Asp211Val) results in a non-conservative amino acid change in the encoded protein sequence. Three of five in-silico tools predict a benign effect of the variant on protein function. The variant allele was found at a frequency of 0.00014 in 183162 control chromosomes. This frequency is not significantly higher than estimated for a pathogenic variant in G6PD causing Glucose 6 Phosphate Dehydrogenase Deficiency (0.00014 vs 0.29), allowing no conclusion about variant significance. c.632A>T has been reported in the literature as c.542A>T (p.Asp181Val) or G6PD Malaga in isolation and as G6PD Santamaria association with c.376A>G (p. Asn126Asp, the nondeficient polymorphic variant G6PD A+ as stated in Al-Sweedan_2012) in multiple individuals affected with clinical manifestations of Favism and Glucose 6 Phosphate Dehydrogenase Deficiency (example, Vulliamy_1996, Al Sweedan_2012, Benmansour_2013). These data indicate that the variant is very likely to be associated with disease. At least one publication reports experimental evidence evaluating an impact on protein function in isolation and as the G6PD Santamaria haplotype (Vulliamy_1996). The most pronounced variant effect in isolation (G6PD Malaga) results in a residual RBC activity of 6.4% of normal, a slower than normal electrophoretic mobility, a markedly decreased Km for both G6P and NADP, striking decreases in utilization rates of 2-deoxy G6P and deamino NADP, a normal thermostability and pH optimum curve. The following publications have been ascertained in the context of this evaluation (PMID: 22906837, 9233561, 22963789, 8956035). ClinVar contains an entry for this variant (Variation ID: 37203). Based on the evidence outlined above, the variant in isolation and in cis with c.376A>G as G6PD Santamaria was classified as pathogenic.

Baylor Genetics
Classification: Likely pathogenic for Malaria, susceptibility to. Last evaluated: 2024-03-08. Review status: criteria provided, single submitter. Criteria: ACMG Guidelines, 2015. Collection method: clinical testing. Allele origin: unknown.

CeGaT Center for Human Genetics Tuebingen
Classification: Likely pathogenic. Last evaluated: 2023-07-01. Review status: criteria provided, single submitter. Criteria: CeGaT Center For Human Genetics Tuebingen Variant Classification Criteria Version 2. Collection method: clinical testing. Allele origin: germline. Affected: yes. Observed: 3 variant alleles.
Comment: G6PD: PM2, PS4:Moderate, PP4, PS3:Supporting

Blueprint Genetics
Classification: Uncertain significance. Last evaluated: 2022-12-29. Review status: criteria provided, single submitter. Criteria: ACMG Guidelines, 2015. Collection method: clinical testing. Allele origin: germline.

Dunham Lab, University of Washington
Classification: Pathogenic for Anemia, nonspherocytic hemolytic, due to G6PD deficiency. Last evaluated: 2022-08-12. Review status: criteria provided, single submitter. Criteria: Bayesian ACMG Guidelines, 2018. Collection method: curation. Allele origin: unknown. Affected: yes.
Comment: Variant found in unrelated hemizygotes with deficiency, favism, and anemia (PS4_M, PP4). Decreased activity in red blood cells (6%) (PS3). Below expected carrier frequency in gnomAD (PM2). Reported as pathogenic by multiple clinical testing groups (PP5). Not found in gnomAD (PM2). Post_P 0.994 (odds of pathogenicity 1517, Prior_P 0.1).

Mendelics
Classification: Pathogenic for Anemia, nonspherocytic hemolytic, due to G6PD deficiency. Last evaluated: 2019-05-28. Review status: criteria provided, single submitter. Criteria: Mendelics Assertion Criteria 2017. Collection method: clinical testing. Allele origin: unknown.

ARUP Laboratories, Molecular Genetics and Genomics, ARUP Laboratories
Classification: Pathogenic. Last evaluated: 2018-01-08. Review status: criteria provided, single submitter. Criteria: ARUP Molecular Germline Variant Investigation Process. Collection method: clinical testing. Allele origin: germline.

Eurofins Ntd Llc (ga)
Classification: Pathogenic. Last evaluated: 2012-11-05. Review status: criteria provided, single submitter. Criteria: EGL Classification Definitions. Collection method: clinical testing. Allele origin: germline. Observed: 6 variant alleles, 3 heterozygotes, 3 hemizygotes.

OMIM
Classification: other for G6PD MALAGA. Last evaluated: 2017-05-24. Review status: no assertion criteria provided. Collection method: literature only. Allele origin: germline. Not counted in ClinVar's aggregate classification.

Literature cited by the submitters: PubMed 10571945 (cited by 5 submitters); PubMed 8956035 (cited by 6 submitters); PubMed 1879833 (cited by 3 submitters); PubMed 22963789 (cited by 3 submitters); PubMed 12367584 (cited by Labcorp Genetics (formerly Invitae), Labcorp and Dasa); PubMed 22906837 (cited by 4 submitters); PubMed 26633385 (cited by 4 submitters); PubMed 36150187 (cited by Variantyx, Inc.); PubMed 6433630 (cited by Variantyx, Inc.); PubMed 22293322 (cited by Victorian Clinical Genetics Services, Murdoch Childrens Research Institute); PubMed 36681081 (cited by Victorian Clinical Genetics Services, Murdoch Childrens Research Institute); PubMed 33637102 (cited by Mayo Clinic Laboratories, Mayo Clinic); PubMed 9233561 (cited by Women's Health and Genetics/Laboratory Corporation of America, LabCorp); PubMed 9674740 (cited by OMIM).